The following is an entry in ClinVar:

NM_006031.6(PCNT):c.3081A>G (p.Leu1027=)

Gene: PCNT (pericentrin; plus strand). Cytogenetic location: 21q22.3.
Variant type: single nucleotide variant.
Coding change: c.3081A>G on transcript NM_006031.6 (MANE Select); coding-DNA position 3081, A replaced by G.
Protein change: p.Leu1027=; no amino-acid change (leucine 1027 retained).
Molecular consequence: synonymous variant.
Genome position (GRCh38, 1-based): chr21:46,367,055, A>G. VCF-style: chr21-46367055-A-G. GRCh37 (hg19) VCF-style: chr21-47786970-A-G.
Other names: c.3081A>G (NM_006031.5); c.2727A>G, p.Leu909= (NM_001315529.2).
Identifiers: ClinVar variation 3008935 (VCV003008935.4), dbSNP rs745584151, ClinGen allele CA322005970.
Genomic context (GRCh38, chr21:46,367,055, plus strand): 5'-TCACCAAACGATTTTGACTCAAGAGTTGGAGAAACTGAAGCGGAAACACGAAGGGGAGCT[A>G]CAGTCTGTGCGGGACCACCTGCGAACCGAAGTGAGCACAGAGCTCGCCGGAACCGTGGCT-3'
Protein context (NP_006022.3, residues 1017-1037): EKLKRKHEGE[Leu1027=]QSVRDHLRTE

ClinVar aggregate classification (germline): Likely benign. Review status: criteria provided, multiple submitters, no conflicts (2 of 4 stars). 2 submissions from 2 submitters: Likely benign (2). Last evaluated 2026-04-04.

Conditions:
PCNT-related disorder. Also called: PCNT-related condition.

Allele frequency attached by ClinVar (database versions not stated): gnomAD 0.00001; gnomAD exomes 0.00001; TOPMed 0.00002.
gnomAD v4.1: 9 of 1,613,858 alleles (0.00056%); highest among the groups gnomAD compares: African/African-American, 0.004%; no homozygotes.

Submissions (2):

PreventionGenetics, part of Exact Sciences
Classification: Likely benign for PCNT-related condition. Last evaluated: 2026-04-04. Review status: criteria provided, single submitter. Criteria: ACMG Guidelines, 2015. Collection method: clinical testing. Allele origin: germline.
Comment: This variant is classified as likely benign based on ACMG/AMP sequence variant interpretation guidelines (Richards et al. 2015 PMID: 25741868, with internal and published modifications).

Labcorp Genetics (formerly Invitae), Labcorp
Classification: Likely benign. Last evaluated: 2023-09-13. Review status: criteria provided, single submitter. Criteria: Invitae Variant Classification Sherloc (09022015). Collection method: clinical testing. Allele origin: germline.